The following is an entry in ClinVar:

NM_017757.3(ZNF407):c.97G>A (p.Gly33Ser)

Gene: ZNF407 (zinc finger protein 407; plus strand). Cytogenetic location: 18q22.3.
Variant type: single nucleotide variant.
Coding change: c.97G>A on transcript NM_017757.3 (MANE Select); coding-DNA position 97, G replaced by A.
Protein change: p.Gly33Ser; replaces glycine 33 with serine.
Molecular consequence: missense variant.
Genome position (GRCh38, 1-based): chr18:74,631,116, G>A. VCF-style: chr18-74631116-G-A. GRCh37 (hg19) VCF-style: chr18-72343072-G-A.
Other names: c.97G>A, p.Gly33Ser (NM_001146189.1, NM_001146190.1, NM_001384475.1); short protein forms G33S.
Identifiers: ClinVar variation 3195571 (VCV003195571.6), dbSNP rs747714506, ClinGen allele CA9000136.

ClinVar aggregate classification (germline): Conflicting classifications of pathogenicity. Review status: criteria provided, conflicting classifications (1 of 4 stars). 2 submissions from 2 submitters: Uncertain significance (1); Likely benign (1). Last evaluated 2026-03-01.

Allele frequency attached by ClinVar (database versions not stated): TOPMed below 0.00001; gnomAD 0.00001; gnomAD exomes 0.00001; ExAC 0.00002.

Submissions (2):

CeGaT Center for Human Genetics Tuebingen
Classification: Likely benign. Last evaluated: 2026-03-01. Review status: criteria provided, single submitter. Criteria: CeGaT Center For Human Genetics Tuebingen Variant Classification Criteria Version 2. Collection method: clinical testing. Allele origin: germline. Affected: yes. Observed: 1 variant allele.
Comment: ZNF407: BP4

Ambry Genetics
Classification: Uncertain significance. Last evaluated: 2025-11-27. Review status: criteria provided, single submitter. Criteria: Ambry Variant Classification Scheme 2023. Collection method: clinical testing. Allele origin: germline.